The following is an entry in ClinVar:

NM_004260.4(RECQL4):c.1516G>C (p.Ala506Pro)

Gene: RECQL4 (RecQ like helicase 4; minus strand). Cytogenetic location: 8q24.3.
Variant type: single nucleotide variant.
Coding change: c.1516G>C on transcript NM_004260.4 (MANE Select); coding-DNA position 1516, G replaced by C.
Protein change: p.Ala506Pro; replaces alanine 506 with proline.
Molecular consequence: missense variant.
Genome position (GRCh38, 1-based): chr8:144,515,040, C>G on the plus strand (G>C on the coding strand, the complement: RECQL4 is on the minus strand). VCF-style: chr8-144515040-C-G. GRCh37 (hg19) VCF-style: chr8-145740424-C-G.
Other names: c.1516G>C (NM_004260.3); short protein forms A506P.
Identifiers: ClinVar variation 1042811 (VCV001042811.4), dbSNP rs1473530499, ClinGen allele CA372684108.

ClinVar aggregate classification (germline): Uncertain significance. Review status: criteria provided, multiple submitters, no conflicts (2 of 4 stars). 2 submissions from 2 submitters: Uncertain significance (2). Last evaluated 2025-04-20.

Conditions:
Baller-Gerold syndrome (BGS). Also called: CRANIOSYNOSTOSIS WITH RADIAL DEFECTS. Identifiers: Orphanet 1225, MedGen C0265308, MONDO:0009039, OMIM 218600.
Inborn genetic diseases. Identifiers: MedGen C0950123, MeSH D030342.

Submissions (2):

Ambry Genetics
Classification: Uncertain significance for Inborn genetic diseases. Last evaluated: 2025-04-20. Review status: criteria provided, single submitter. Criteria: Ambry Variant Classification Scheme 2023. Collection method: clinical testing. Allele origin: germline.
Comment: The p.A506P variant (also known as c.1516G>C), located in coding exon 9 of the RECQL4 gene, results from a G to C substitution at nucleotide position 1516. The alanine at codon 506 is replaced by proline, an amino acid with highly similar properties. This amino acid position is conserved. In addition, this alteration is predicted to be deleterious by in silico analysis. Based on the available evidence, the clinical significance of this variant remains unclear.

Labcorp Genetics (formerly Invitae), Labcorp
Classification: Uncertain significance for Baller-Gerold syndrome. Last evaluated: 2020-06-18. Review status: criteria provided, single submitter. Criteria: Invitae Variant Classification Sherloc (09022015). Collection method: clinical testing. Allele origin: germline.
Comment: This variant has not been reported in the literature in individuals with RECQL4-related conditions. In summary, the available evidence is currently insufficient to determine the role of this variant in disease. Therefore, it has been classified as a Variant of Uncertain Significance. Experimental studies and prediction algorithms are not available or were not evaluated, and the functional significance of this variant is currently unknown. This variant is not present in population databases (ExAC no frequency). This sequence change replaces alanine with proline at codon 506 of the RECQL4 protein (p.Ala506Pro). The alanine residue is moderately conserved and there is a small physicochemical difference between alanine and proline.